The following is an entry in ClinVar:

ClinVar aggregate classification (germline): Uncertain significance (1 of 4 stars; one submission).

Conditions:
Rubinstein-Taybi syndrome (RSTS). Identifiers: Orphanet 783, MedGen C0035934, MONDO:0019188.

Submission:

Labcorp Genetics (formerly Invitae), Labcorp
Classification: Uncertain significance for Rubinstein-Taybi syndrome. Last evaluated: 2025-08-04. Review status: criteria provided, single submitter. Criteria: Invitae Variant Classification Sherloc (09022015). Collection method: clinical testing. Allele origin: germline.
Comment: This sequence change replaces glycine, which is neutral and non-polar, with glutamic acid, which is acidic and polar, at codon 142 of the CREBBP protein (p.Gly142Glu). This variant is not present in population databases (gnomAD no frequency). This variant has not been reported in the literature in individuals affected with CREBBP-related conditions. Invitae Evidence Modeling of protein sequence and biophysical properties (such as structural, functional, and spatial information, amino acid conservation, physicochemical variation, residue mobility, and thermodynamic stability) indicates that this missense variant is not expected to disrupt CREBBP protein function with a negative predictive value of 95%. In summary, the available evidence is currently insufficient to determine the role of this variant in disease. Therefore, it has been classified as a Variant of Uncertain Significance.

NM_004380.3(CREBBP):c.425G>A (p.Gly142Glu)

Gene: CREBBP (CREB binding lysine acetyltransferase; minus strand). Cytogenetic location: 16p13.3.
Variant type: single nucleotide variant.
Coding change: c.425G>A on transcript NM_004380.3 (MANE Select); coding-DNA position 425, G replaced by A.
Protein change: p.Gly142Glu; replaces glycine 142 with glutamic acid.
Molecular consequence: missense variant.
Genome position (GRCh38, 1-based): chr16:3,850,670, C>T on the plus strand (G>A on the coding strand, the complement: CREBBP is on the minus strand). VCF-style: chr16-3850670-C-T. GRCh37 (hg19) VCF-style: chr16-3900671-C-T.
Other names: c.425G>A, p.Gly142Glu (NM_001079846.1); short protein forms G142E.
Identifiers: ClinVar variation 4799150 (VCV004799150.1).